The following is an entry in ClinVar:

NM_000868.4(HTR2C):c.551-3008C>G

Gene: HTR2C (5-hydroxytryptamine receptor 2C; plus strand). Cytogenetic location: Xq23.
Variant type: single nucleotide variant.
Coding change: c.551-3008C>G on transcript NM_000868.4 (MANE Select); 3008 bases into the intron before coding-DNA position 551, C replaced by G.
Molecular consequence: intron variant.
Genome position (GRCh38, 1-based): chrX:114,903,581, C>G. VCF-style: chrX-114903581-C-G. GRCh37 (hg19) VCF-style: chrX-114138144-C-G.
Other names: c.551-3008C>G (NM_001256760.3); c.456-3008C>G (NM_001256761.3).
Identifiers: ClinVar variation 225952 (VCV000225952.3), dbSNP rs1414334, ClinGen allele CA10576194.

ClinVar aggregate classification (germline): Benign (1 of 4 stars; one submission).

Allele frequency attached by ClinVar (database versions not stated): 1000 Genomes Project 30x 0.80146; 1000 Genomes Project 0.80821; TOPMed 0.76592; gnomAD 0.78720.

Submission:

GeneDx
Classification: Benign. Last evaluated: 2018-03-09. Review status: criteria provided, single submitter. Criteria: GeneDx Variant Classification (06012015). Collection method: clinical testing. Allele origin: germline. Affected: yes.
Comment: This variant is considered likely benign or benign based on one or more of the following criteria: it is a conservative change, it occurs at a poorly conserved position in the protein, it is predicted to be benign by multiple in silico algorithms, and/or has population frequency not consistent with disease.